The following is an entry in ClinVar:

NM_001142864.4(PIEZO1):c.284-4G>A

Gene: PIEZO1 (piezo type mechanosensitive ion channel component 1 (Er blood group); minus strand). Cytogenetic location: 16q24.3.
Variant type: single nucleotide variant.
Coding change: c.284-4G>A on transcript NM_001142864.4 (MANE Select); 4 bases into the intron before coding-DNA position 284, G replaced by A.
Molecular consequence: intron variant.
Genome position (GRCh38, 1-based): chr16:88,742,099, C>T on the plus strand (G>A on the coding strand, the complement: PIEZO1 is on the minus strand). VCF-style: chr16-88742099-C-T. GRCh37 (hg19) VCF-style: chr16-88808507-C-T.
Identifiers: ClinVar variation 759977 (VCV000759977.17), dbSNP rs543289166, ClinGen allele CA8233307.
Genomic context (GRCh38, chr16:88,742,099, plus strand): 5'-AGGAATGGTCTTACCTTGTGACCCCTATGTGTCGCGAGAGGGTCTCCCAGCGGCTGCCTG[C>T]AGAGAAAGACGGGGGAACCCAGGTCAGGCTCTGCCCAGCCAGCACCGTGGCCTGGTCATC-3'

ClinVar aggregate classification (germline): Benign/Likely benign. Review status: criteria provided, multiple submitters, no conflicts (2 of 4 stars). 4 submissions from 4 submitters: Benign (1); Likely benign (2). 1 of the submissions does not count toward it. Last evaluated 2024-06-17.

Conditions:
PIEZO1-related disorder. Also called: PIEZO1-related condition; PIEZO1-Related Disorders.

Allele frequency attached by ClinVar (database versions not stated): gnomAD exomes 0.00011 and 0.00050; ExAC 0.00018; gnomAD 0.00019 and 0.00026; TOPMed 0.00036; 1000 Genomes Project 0.00080; 1000 Genomes Project 30x 0.00094.
gnomAD v4.1: 192 of 1,535,910 alleles (0.013%); highest among the groups gnomAD compares: East Asian, 0.28%; no homozygotes.

Submissions (4):

Blueprint Genetics
Classification: Likely benign. Last evaluated: 2024-06-17. Review status: criteria provided, single submitter. Criteria: ACMG Guidelines, 2015. Collection method: clinical testing. Allele origin: germline.

Labcorp Genetics (formerly Invitae), Labcorp
Classification: Benign. Last evaluated: 2023-12-23. Review status: criteria provided, single submitter. Criteria: Invitae Variant Classification Sherloc (09022015). Collection method: clinical testing. Allele origin: germline.

ARUP Laboratories, Molecular Genetics and Genomics, ARUP Laboratories
Classification: Likely benign. Last evaluated: 2021-11-03. Review status: criteria provided, single submitter. Criteria: ARUP Molecular Germline Variant Investigation Process 2021. Collection method: clinical testing. Allele origin: germline.

PreventionGenetics, part of Exact Sciences
Classification: Likely benign for PIEZO1-related condition. Last evaluated: 2020-08-10. Review status: no assertion criteria provided. Collection method: clinical testing. Allele origin: germline. Not counted in ClinVar's aggregate classification.
Comment: This variant is classified as likely benign based on ACMG/AMP sequence variant interpretation guidelines (Richards et al. 2015 PMID: 25741868, with internal and published modifications).